The following is an entry in ClinVar:

NM_005559.4(LAMA1):c.6459T>C (p.Asn2153=)

Gene: LAMA1 (laminin subunit alpha 1; minus strand). Cytogenetic location: 18p11.31.
Variant type: single nucleotide variant.
Coding change: c.6459T>C on transcript NM_005559.4 (MANE Select); coding-DNA position 6459, T replaced by C.
Protein change: p.Asn2153=; no amino-acid change (asparagine 2153 retained).
Molecular consequence: synonymous variant.
Genome position (GRCh38, 1-based): chr18:6,975,967, A>G on the plus strand (T>C on the coding strand, the complement: LAMA1 is on the minus strand). VCF-style: chr18-6975967-A-G. GRCh37 (hg19) VCF-style: chr18-6975966-A-G.
Identifiers: ClinVar variation 5039884 (VCV005039884.1).

ClinVar aggregate classification (germline): Likely benign (1 of 4 stars; one submission).

Submission:

CeGaT Center for Human Genetics Tuebingen
Classification: Likely benign. Last evaluated: 2026-07-01. Review status: criteria provided, single submitter. Criteria: CeGaT Center For Human Genetics Tuebingen Variant Classification Criteria Version 2. Collection method: clinical testing. Allele origin: germline. Affected: yes. Observed: 1 variant allele.
Comment: LAMA1: PM2:Supporting, BP4, BP7